The following is an entry in ClinVar:

ClinVar aggregate classification (germline): Uncertain significance (1 of 4 stars; one submission).

Submission:

Laboratory for Molecular Medicine, Mass General Brigham Personalized Medicine
Classification: Uncertain significance. Last evaluated: 2024-03-21. Review status: criteria provided, single submitter. Criteria: ACMG Guidelines, 2015. Collection method: clinical testing. Allele origin: germline.
Comment: It was absent from large population studies. While this variant does not alter the amino acid residue at this position, splice prediction tools suggest the variant may result in abnormal splicing, however these tools are not predictive enough to assume pathogenicity. In summary, the clinical significance of this variant is uncertain. ACMG/AMP Criteria applied: PM3, PM2_Supporting, PP3.

NM_016239.4(MYO15A):c.8748G>A (p.Val2916=)

Gene: MYO15A (myosin XVA; plus strand). Cytogenetic location: 17p11.2.
Variant type: single nucleotide variant.
Coding change: c.8748G>A on transcript NM_016239.4 (MANE Select); coding-DNA position 8748, G replaced by A.
Protein change: p.Val2916=; no amino-acid change (valine 2916 retained).
Molecular consequence: synonymous variant.
Genome position (GRCh38, 1-based): chr17:18,157,190, G>A. VCF-style: chr17-18157190-G-A. GRCh37 (hg19) VCF-style: chr17-18060504-G-A.
Identifiers: ClinVar variation 3075974 (VCV003075974.1), dbSNP rs1290353388, ClinGen allele CA498203505.